The following is an entry in ClinVar:

ClinVar aggregate classification (germline): Uncertain significance (1 of 4 stars; one submission).

Conditions:
Arrhythmogenic right ventricular dysplasia 8 (ARVD8). Also called: Arrhythmogenic Right Ventricular Dysplasia/Cardiomyopathy 8; ARRHYTHMOGENIC RIGHT VENTRICULAR DYSPLASIA, FAMILIAL, 8; ARRHYTHMOGENIC RIGHT VENTRICULAR CARDIOMYOPATHY 8. Identifiers: MedGen C1843896, MONDO:0011831, OMIM 607450.
Arrhythmogenic cardiomyopathy with wooly hair and keratoderma. Also called: PALMOPLANTAR KERATODERMA WITH LEFT VENTRICULAR CARDIOMYOPATHY AND WOOLLY HAIR; Carvajal syndrome; Dilated cardiomyopathy with woolly hair and keratoderma; Arrhythmogenic cardiomyopathy with woolly hair and keratoderma. Identifiers: Orphanet 65282, MedGen C1854063, MONDO:0011581, OMIM 605676.

Submission:

Labcorp Genetics (formerly Invitae), Labcorp
Classification: Uncertain significance for Arrhythmogenic cardiomyopathy with wooly hair and keratoderma; Arrhythmogenic right ventricular dysplasia 8. Last evaluated: 2025-06-12. Review status: criteria provided, single submitter. Criteria: Invitae Variant Classification Sherloc (09022015). Collection method: clinical testing. Allele origin: germline.
Comment: This sequence change replaces lysine, which is basic and polar, with arginine, which is basic and polar, at codon 1099 of the DSP protein (p.Lys1099Arg). This variant is not present in population databases (gnomAD no frequency). This variant has not been reported in the literature in individuals affected with DSP-related conditions. ClinVar contains an entry for this variant (Variation ID: 2937303). An algorithm developed to predict the effect of missense changes on protein structure and function (PolyPhen-2) suggests that this variant is likely to be tolerated. In summary, the available evidence is currently insufficient to determine the role of this variant in disease. Therefore, it has been classified as a Variant of Uncertain Significance.

NM_004415.4(DSP):c.3296A>G (p.Lys1099Arg)

Gene: DSP (desmoplakin; plus strand). Cytogenetic location: 6p24.3.
Variant type: single nucleotide variant.
Coding change: c.3296A>G on transcript NM_004415.4 (MANE Select); coding-DNA position 3296, A replaced by G.
Protein change: p.Lys1099Arg; replaces lysine 1099 with arginine.
Molecular consequence: missense variant.
Genome position (GRCh38, 1-based): chr6:7,579,486, A>G. VCF-style: chr6-7579486-A-G. GRCh37 (hg19) VCF-style: chr6-7579719-A-G.
Other names: c.3296A>G, p.Lys1099Arg (NM_001008844.3, NM_001319034.2); short protein forms K1099R.
Identifiers: ClinVar variation 2937303 (VCV002937303.3), dbSNP rs1483864113, ClinGen allele CA362683574.